The following is an entry in ClinVar:

ClinVar aggregate classification (germline): Pathogenic/Likely pathogenic. Review status: criteria provided, multiple submitters, no conflicts (2 of 4 stars). 6 submissions from 6 submitters: Pathogenic (4); Likely pathogenic (2). Last evaluated 2026-07-28.

Conditions:
HNF1B-related disorder. Also called: HNF1B-related disorders; HNF1B-related condition.
Maturity-onset diabetes of the young (MODY). Also called: Maturity onset diabetes mellitus in young. Identifiers: Orphanet 552, MedGen C0342276, MONDO:0018911, HP:0004904.
Renal cysts and diabetes syndrome (RCAD). Also called: Familial hypoplastic, glomerulocystic kidney; MATURITY-ONSET DIABETES OF THE YOUNG, TYPE 5. Identifiers: Orphanet 93111, MedGen C0431693, MONDO:0007669, OMIM 137920.

Submissions (6):

GeneDx
Classification: Likely pathogenic. Last evaluated: 2026-07-28. Review status: criteria provided, single submitter. Criteria: GeneDx Variant Classification Process June 2021. Collection method: clinical testing. Allele origin: germline.
Comment: Not observed at significant frequency in large population cohorts (gnomAD); In silico analysis supports that this missense variant has a deleterious effect on protein structure/function; This variant is associated with the following publications: (PMID: 17924661, 23979948, 24476040, 20378641, 31825128, 27913849, 25700310, 24897035, 22034641, 36522156, 25536396, 16249435, 38868576, 25500806, 26319241)

Victorian Clinical Genetics Services, Murdoch Childrens Research Institute
Classification: Pathogenic for Renal cysts and diabetes syndrome. Last evaluated: 2026-05-27. Review status: criteria provided, single submitter. Criteria: ACMG Guidelines, 2015. Collection method: clinical testing. Allele origin: germline. Affected: yes.
Comment: This variant is classified as Pathogenic. Evidence in support of pathogenic classification: Variant is present in gnomAD <0.001 for a dominant condition (v4: 1 heterozygote(s), 0 homozygote(s)); This variant has strong previous evidence of pathogenicity in unrelated individuals. This variant has been classified as pathogenic/likely pathogenic by clinical laboratories in ClinVar, and reported in the literature in individuals with renal cysts and diabetes (PMIDs: 31825128, 20378641, 25500806, 22034641, 21775974); Other missense variant(s) comparable to the one identified in this case have strong previous evidence for pathogenicity. p.(Arg295His) and p.(Arg295Pro) have been classified as pathogenic and/or likely pathogenic by clinical laboratories in Clinvar; Missense variant predicted to be damaging by in silico tool(s) or highly conserved with a major amino acid change. Additional information: Variant is predicted to result in a missense amino acid change from Arg to Cys; This variant is heterozygous; This gene is associated with autosomal dominant disease; Variant is located in the annotated DNA-binding region (DECIPHER); Dominant negative, loss of function, and gain of function are all reported mechanisms of disease in this gene and are associated with type 2 diabetes mellitus (MIM#125853) and renal cysts and diabetes syndrome (MIM#137920; OMIM, PMIDs: 25536396, 11845238, 15509593); Variants in this gene are known to have variable expressivity. There is significant interfamilial and intrafamilial variability of HNF1B-related nephropathy (PMID: 33305128); Inheritance information for this variant is not currently available in this individual.

Blueprint Genetics
Classification: Pathogenic for HNF1B-related disorders. Last evaluated: 2024-10-08. Review status: criteria provided, single submitter. Criteria: ACMG Guidelines, 2015. Collection method: clinical testing. Allele origin: de novo. Affected: yes. Observed: 4 variant alleles.

Ambry Genetics
Classification: Likely pathogenic for Maturity-onset diabetes of the young. Last evaluated: 2024-05-09. Review status: criteria provided, single submitter. Criteria: Ambry Variant Classification Scheme 2023. Collection method: clinical testing. Allele origin: germline.
Comment: The c.883C>T (p.R295C) alteration is located in exon 4 (coding exon 4) of the HNF1B gene. This alteration results from a C to T substitution at nucleotide position 883, causing the arginine (R) at amino acid position 295 to be replaced by a cysteine (C). This variant was not reported in population-based cohorts in the Genome Aggregation Database (gnomAD). This variant has been identified in multiple individuals with features consistent with HNF1B deficiency; in at least one instance, the variant has been determined to be the result of a de novo mutation (Sztromwasser, 2020; Johansson, 2017; Verhave, 2016; Gao, 2014; Ferr&egrave;, 2013; Bergmann, 2011; Heidet, 2010; Bellann&eacute;-Chantelot, 2005; Raaijmakers, 2015). This amino acid position is highly conserved in available vertebrate species. This alteration is predicted to be deleterious by in silico analysis. Based on the available evidence, this alteration is classified as likely pathogenic.

Labcorp Genetics (formerly Invitae), Labcorp
Classification: Pathogenic. Last evaluated: 2024-02-06. Review status: criteria provided, single submitter. Criteria: Invitae Variant Classification Sherloc (09022015). Collection method: clinical testing. Allele origin: germline.
Comment: This sequence change replaces arginine, which is basic and polar, with cysteine, which is neutral and slightly polar, at codon 295 of the HNF1B protein (p.Arg295Cys). This variant is not present in population databases (gnomAD no frequency). This missense change has been observed in individual(s) with HNF1B-related disorders (PMID: 16249435, 31825128). ClinVar contains an entry for this variant (Variation ID: 635631). Advanced modeling of protein sequence and biophysical properties (such as structural, functional, and spatial information, amino acid conservation, physicochemical variation, residue mobility, and thermodynamic stability) has been performed at Invitae for this missense variant, however the output from this modeling did not meet the statistical confidence thresholds required to predict the impact of this variant on HNF1B protein function. Experimental studies have shown that this missense change affects HNF1B function (PMID: 36522156). This variant disrupts the p.Arg295 amino acid residue in HNF1B. Other variant(s) that disrupt this residue have been determined to be pathogenic (PMID: 15068978, 16249435, 31131422, 33574344). This suggests that this residue is clinically significant, and that variants that disrupt this residue are likely to be disease-causing. For these reasons, this variant has been classified as Pathogenic.

Institute of Human Genetics, FAU Erlangen, Friedrich-Alexander-Universität Erlangen-Nürnberg
Classification: Pathogenic for Renal cysts and diabetes syndrome. Last evaluated: 2019-07-06. Review status: criteria provided, single submitter. Criteria: ACMG Guidelines, 2015. Collection method: literature only. Allele origin: germline. Affected: yes.
Comment: This variant and it's classification has been reported by Vasileiou et al. 2019; DOI:10.1101/576918. The variants has previously been reported in PMID:16249435; PMID:25700310; PMID:16249435; PMID:22034641; PMID:24897035; PMID:20378641; PMID:24476040; PMID:25500806; PMID:25536396 as "c.883C->T,p.Arg295Cys; c.883C>T; c.883 C>T p.Arg295Cys; c.883C->T,p.Arg295Cys; E4: c.883C>T (p.Arg295Cys) (de novo) ; c.883C>T" with clinical significance Pathogenic. It has been re-classified using InterVar and manual curation as Pathogenic based on PS4 PM1 PM2 PM5 PP3 PP5.

Literature cited by the submitters: PubMed 22034641 (cited by 3 submitters); PubMed 25500806 (cited by 3 submitters); PubMed 25536396 (cited by Victorian Clinical Genetics Services, Murdoch Childrens Research Institute and Institute of Human Genetics, FAU Erlangen, Friedrich-Alexander-Universität Erlangen-Nürnberg); PubMed 33305128 (cited by Victorian Clinical Genetics Services, Murdoch Childrens Research Institute); PubMed 21775974 (cited by Victorian Clinical Genetics Services, Murdoch Childrens Research Institute); PubMed 20378641 (cited by 3 submitters); PubMed 15509593 (cited by Victorian Clinical Genetics Services, Murdoch Childrens Research Institute); PubMed 31825128 (cited by 3 submitters); PubMed 11845238 (cited by Victorian Clinical Genetics Services, Murdoch Childrens Research Institute); PubMed 16249435 (cited by 3 submitters); PubMed 23979948 (cited by Ambry Genetics); PubMed 24476040 (cited by Ambry Genetics and Institute of Human Genetics, FAU Erlangen, Friedrich-Alexander-Universität Erlangen-Nürnberg); PubMed 26319241 (cited by Ambry Genetics); PubMed 27913849 (cited by Ambry Genetics); PubMed 36522156 (cited by Labcorp Genetics (formerly Invitae), Labcorp); PubMed 15068978 (cited by Labcorp Genetics (formerly Invitae), Labcorp); PubMed 31131422 (cited by Labcorp Genetics (formerly Invitae), Labcorp); PubMed 33574344 (cited by Labcorp Genetics (formerly Invitae), Labcorp); PubMed 25700310 (cited by Institute of Human Genetics, FAU Erlangen, Friedrich-Alexander-Universität Erlangen-Nürnberg); PubMed 24897035 (cited by Institute of Human Genetics, FAU Erlangen, Friedrich-Alexander-Universität Erlangen-Nürnberg); DOI 10.1101/576918 (cited by Institute of Human Genetics, FAU Erlangen, Friedrich-Alexander-Universität Erlangen-Nürnberg).

NM_000458.4(HNF1B):c.883C>T (p.Arg295Cys)

Gene: HNF1B (HNF1 homeobox B; minus strand). Cytogenetic location: 17q12.
Variant type: single nucleotide variant.
Coding change: c.883C>T on transcript NM_000458.4 (MANE Select); coding-DNA position 883, C replaced by T.
Protein change: p.Arg295Cys; replaces arginine 295 with cysteine.
Molecular consequence: missense variant.
Genome position (GRCh38, 1-based): chr17:37,731,757, G>A on the plus strand (C>T on the coding strand, the complement: HNF1B is on the minus strand). VCF-style: chr17-37731757-G-A. GRCh37 (hg19) VCF-style: chr17-36091748-G-A.
Other names: c.883C>T (NM_000458.2); c.805C>T, p.Arg269Cys (NM_001165923.4, NM_001304286.2); short protein forms R295C, R269C.
Identifiers: ClinVar variation 635631 (VCV000635631.11), dbSNP rs2511801729, ClinGen allele CA398746849.